The following is an entry in ClinVar:

NM_023110.3(FGFR1):c.1916T>C (p.Ile639Thr)

Gene: FGFR1 (fibroblast growth factor receptor 1; minus strand). Cytogenetic location: 8p11.23.
Variant type: single nucleotide variant.
Coding change: c.1916T>C on transcript NM_023110.3 (MANE Select); coding-DNA position 1916, T replaced by C.
Protein change: p.Ile639Thr; replaces isoleucine 639 with threonine.
Molecular consequence: missense variant.
Genome position (GRCh38, 1-based): chr8:38,414,840, A>G on the plus strand (T>C on the coding strand, the complement: FGFR1 is on the minus strand). VCF-style: chr8-38414840-A-G. GRCh37 (hg19) VCF-style: chr8-38272358-A-G.
Other names: c.1910T>C, p.Ile637Thr (NM_001174063.2, NM_001174065.2, NM_001354367.2 and 1 more transcripts); c.1886T>C, p.Ile629Thr (NM_001174064.2); c.1649T>C, p.Ile550Thr (NM_001174066.2, NM_023105.3); c.2009T>C, p.Ile670Thr (NM_001174067.2); c.1637T>C, p.Ile546Thr (NM_001354368.2); c.1904T>C, p.Ile635Thr (NM_001354369.2); c.1643T>C, p.Ile548Thr (NM_001354370.2, NM_023106.3); short protein forms I639T, I635T, I637T, I670T, I546T, I548T, I629T, I550T.
Identifiers: ClinVar variation 180153 (VCV000180153.2), dbSNP rs727505370, ClinGen allele CA185884.

ClinVar aggregate classification (germline): Pathogenic/Likely pathogenic. Review status: criteria provided, multiple submitters, no conflicts (2 of 4 stars). 3 submissions from 2 submitters: Pathogenic (1); Likely pathogenic (2). Last evaluated 2023-05-04.

Conditions:
Hypogonadotropic hypogonadism 2 with or without anosmia (HH2). Also called: HYPOGONADOTROPIC HYPOGONADISM 2 WITHOUT ANOSMIA; FGFR1-Related GnRH Deficiency (Kallmann Syndrome 2); HYPOGONADOTROPIC HYPOGONADISM 2 WITH OR WITHOUT ANOSMIA, SUSCEPTIBILITY TO; HYPOGONADOTROPIC HYPOGONADISM 2 WITHOUT ANOSMIA, SUSCEPTIBILITY TO. Identifiers: Orphanet 478, MedGen C1563720, MONDO:0007844, OMIM 147950. Disease mechanism: loss of function.
Hypogonadotropic hypogonadism 7 with or without anosmia (HH7). Also called: GNRHR-Related GnRH Deficiency; HYPOGONADOTROPIC HYPOGONADISM 7 WITHOUT ANOSMIA. Identifiers: Orphanet 432, MedGen C0342384, MONDO:0007794, OMIM 146110.
Delayed puberty. Identifiers: MedGen C0034012, HP:0000823.

Submissions (3):

Reproductive Endocrine Unit, Massachusetts General Hospital
Classification: Pathogenic for Hypogonadotropic hypogonadism 2 with or without anosmia. Last evaluated: 2023-05-04. Review status: criteria provided, single submitter. Criteria: ACMG Guidelines, 2015. Collection method: research. Allele origin: germline, unknown. Affected: yes. Observed: 3 variant alleles.
Comment: The variant has been classified as P2 based on the variant meeting the following ACMG Criteria: PS2,PM2,PP3,PP1,PP2,PP4.

Chan Lab, Boston Children's Hospital
Classification: Likely pathogenic for Hypogonadotrophic hypogonadism. Last evaluated: 2014-11-01. Review status: criteria provided, single submitter. Criteria: Submitter's publication. Collection method: case-control. Allele origin: maternal. Affected: yes. Observed: 1 variant allele.

Chan Lab, Boston Children's Hospital
Classification: Likely pathogenic for Delayed puberty. Last evaluated: 2014-11-01. Review status: criteria provided, single submitter. Criteria: Submitter's publication. Collection method: case-control. Allele origin: maternal. Affected: yes. Observed: 1 variant allele.